The following is an entry in ClinVar:

ClinVar aggregate classification (germline): Uncertain significance (1 of 4 stars; one submission).

Submission:

Labcorp Genetics (formerly Invitae), Labcorp
Classification: Uncertain significance. Last evaluated: 2021-09-03. Review status: criteria provided, single submitter. Criteria: Invitae Variant Classification Sherloc (09022015). Collection method: clinical testing. Allele origin: germline.
Comment: This sequence change falls in intron 1 of the COL2A1 gene. It does not directly change the encoded amino acid sequence of the COL2A1 protein. It affects a nucleotide within the consensus splice site of the intron. This variant is not present in population databases (ExAC no frequency). This variant has not been reported in the literature in individuals affected with COL2A1-related conditions. Variants that disrupt the consensus splice site are a relatively common cause of aberrant splicing (PMID: 17576681, 9536098). Algorithms developed to predict the effect of sequence changes on RNA splicing suggest that this variant may disrupt the consensus splice site. In summary, the available evidence is currently insufficient to determine the role of this variant in disease. Therefore, it has been classified as a Variant of Uncertain Significance.

Literature cited by the submitters: PubMed 17576681; PubMed 9536098.

NM_001844.5(COL2A1):c.85+5G>T

Gene: COL2A1 (collagen type II alpha 1 chain; minus strand). Cytogenetic location: 12q13.11.
Variant type: single nucleotide variant.
Coding change: c.85+5G>T on transcript NM_001844.5 (MANE Select); 5 bases into the intron after coding-DNA position 85, G replaced by T.
Molecular consequence: intron variant.
Genome position (GRCh38, 1-based): chr12:48,004,232, C>A on the plus strand (G>T on the coding strand, the complement: COL2A1 is on the minus strand). VCF-style: chr12-48004232-C-A. GRCh37 (hg19) VCF-style: chr12-48398015-C-A.
Other names: c.85+5G>T (NM_033150.3).
Identifiers: ClinVar variation 1443773 (VCV001443773.6), dbSNP rs2136652545, ClinGen allele CA2573148579.